The following is an entry in ClinVar:

NM_002474.3(MYH11):c.4088A>G (p.Glu1363Gly)

Genes: MYH11 (myosin heavy chain 11; minus strand), NDE1 (nudE neurodevelopment protein 1; plus strand). Cytogenetic location: 16p13.11.
Variant type: single nucleotide variant.
Coding change: c.4088A>G on transcript NM_002474.3 (MANE Select); coding-DNA position 4088, A replaced by G.
Protein change: p.Glu1363Gly; replaces glutamic acid 1363 with glycine.
Molecular consequence: missense variant. On other transcripts: 3 prime UTR variant (2).
Genome position (GRCh38, 1-based): chr16:15,724,675, T>C on the plus strand (A>G on the coding strand, the complement: MYH11 is on the minus strand). VCF-style: chr16-15724675-T-C. GRCh37 (hg19) VCF-style: chr16-15818532-T-C.
Other names: c.4109A>G, p.Glu1370Gly (NM_001040113.2, NM_001040114.2); c.4088A>G, p.Glu1363Gly (NM_022844.3); c.*424T>C (NM_001143979.2, NM_017668.3); short protein forms E1363G, E1370G.
Identifiers: ClinVar variation 3400626 (VCV003400626.1).
Genomic context (GRCh38, chr16:15,724,675, plus strand): 5'-CCATGAAGGAAGCAAGGACACGGGGCAGGCACCTGGATGTTGAGAGTGGAGATGTGGCGC[T>C]CCAGGTTCTGCTTGGCCTCCATCTCCTCGTCCAGCTGGTCTTGCAGGCTGTTCCGCTCCT-3'
Protein context (NP_002465.1, residues 1353-1373): DEEMEAKQNL[Glu1363Gly]RHISTLNIQL

ClinVar aggregate classification (germline): Uncertain significance (1 of 4 stars; one submission).

Conditions:
Familial thoracic aortic aneurysm and aortic dissection (TAAD). Also called: Thoracic aortic aneurysms and dissections. Identifiers: Orphanet 91387, MedGen C4707243, MONDO:0019625.

Submission:

Ambry Genetics
Classification: Uncertain significance for Familial thoracic aortic aneurysm and aortic dissection. Last evaluated: 2024-06-26. Review status: criteria provided, single submitter. Criteria: Ambry Variant Classification Scheme 2023. Collection method: clinical testing. Allele origin: germline.
Comment: The p.E1363G variant (also known as c.4088A>G), located in coding exon 29 of the MYH11 gene, results from an A to G substitution at nucleotide position 4088. The glutamic acid at codon 1363 is replaced by glycine, an amino acid with similar properties. This amino acid position is conserved. In addition, this alteration is predicted to be deleterious by in silico analysis. Based on the available evidence, the clinical significance of this variant remains unclear.